The following is an entry in ClinVar:

ClinVar aggregate classification (germline): Pathogenic/Likely pathogenic. Review status: criteria provided, multiple submitters, no conflicts (2 of 4 stars). 21 submissions from 21 submitters: Pathogenic (15); Likely pathogenic (4). 2 of the submissions do not count toward it. Last evaluated 2026-06-17.

Conditions:
BARD1-related disorder. Also called: BARD1-related condition.
BARD1-related cancer predisposition. Identifiers: MedGen CN377756, MONDO:0700267.
Hereditary cancer-predisposing syndrome. Also called: Neoplastic Syndromes, Hereditary; Tumor predisposition; Hereditary Cancer Syndrome; Hereditary neoplastic syndrome. Identifiers: Orphanet 140162, MedGen C0027672, MeSH D009386, MONDO:0015356.
Hereditary breast ovarian cancer syndrome. Also called: BRCA1- and BRCA2-Associated Hereditary Breast and Ovarian Cancer; Hereditary breast and ovarian cancer; Hereditary breast and ovarian cancer syndrome; Hereditary breast and ovarian cancer syndrome (HBOC); Breast and ovarian cancer; Hereditary breast and/or ovarian cancer syndrome. Identifiers: Orphanet 145, MedGen C0677776, MeSH D061325, MONDO:0003582. Disease mechanism: loss of function.
Familial cancer of breast. Also called: hereditary breast carcinoma; Hereditary breast cancer; BREAST CANCER, FAMILIAL. Identifiers: Orphanet 227535, MedGen C0346153, MONDO:0016419, OMIM 114480. Disease mechanism: loss of function.
Malignant tumor of breast. Also called: Cancer breast; Malignant breast neoplasm. Identifiers: MedGen C0006142, MONDO:0007254. Disease mechanism: loss of function.

Submissions 1 to 11 of 21:

PreventionGenetics, part of Exact Sciences
Classification: Pathogenic for BARD1-related condition. Last evaluated: 2026-06-17. Review status: criteria provided, single submitter. Criteria: ACMG Guidelines, 2015. Collection method: clinical testing. Allele origin: germline.
Comment: The BARD1 c.1935_1954dup20 variant is predicted to result in a frameshift and premature protein termination (p.Glu652Valfs*69). This variant has been reported in multiple individuals with hereditary breast cancer (De Brakeleer et al. 2010. PubMed ID: 20077502, Figure 2C; Weber-Lassalle et al. 2019. PubMed ID: 31036035, Table S2; Couch et al. 2014. PubMed ID: 25452441), an individual with prostate cancer (Schrader et al. 2016. PubMed ID: 26556299, Table S5 and S7), and in an individual with a family history of cancer (Thompson et al. 2018. PubMed ID: 29790872, Table 3). This variant removes the second BRCT repeat and studies have shown that the BRCT repeats are important for protein function (Birrane et al. 2007. PubMed ID: 17550235; Laufer et al. 2007. PubMed ID: 17848578). This variant is reported in 0.012% of alleles in individuals of European (Non-Finnish) descent in gnomAD and is interpreted as pathogenic and likely pathogenic in ClinVar (Variation ID: 127725). Frameshift variants in BARD1 are expected to be pathogenic. This variant is interpreted as pathogenic.

Labcorp Genetics (formerly Invitae), Labcorp
Classification: Pathogenic for Familial cancer of breast. Last evaluated: 2026-01-06. Review status: criteria provided, single submitter. Criteria: Invitae Variant Classification Sherloc (09022015). Collection method: clinical testing. Allele origin: germline.
Comment: This sequence change creates a premature translational stop signal (p.Glu652Valfs*69) in the BARD1 gene. While this is not anticipated to result in nonsense mediated decay, it is expected to disrupt the last 126 amino acid(s) of the BARD1 protein. This variant is present in population databases (rs587780024, gnomAD 0.01%). This premature translational stop signal has been observed in individual(s) with breast cancer (PMID: 20077502, 25452441, 26681312). It has also been observed to segregate with disease in related individuals. ClinVar contains an entry for this variant (Variation ID: 127725). RT-PCR analysis has shown that this variant did not activate nonsense mediated decay, as equal amounts of the mutant and wild-type alleles were expressed in the leukocytes of affected individuals (PMID: 20077502). This truncating variant does lead to the loss of the last 126 amino acids of the BARD1 protein (Glu652-Ser777), removing completely the most C-terminal of the two BRCT repeats (residues 669-777) (PMID: 26315354, 17550235). While the functional significance of deleting the second BRCT domain has not been addressed experimentally, studies suggest that both BRCT repeats in BARD1 are necessary for its normal functioning (PMID: 17550235, 26738429, 17848578). For these reasons, this variant has been classified as Pathogenic.

GeneDx
Classification: Likely pathogenic. Last evaluated: 2025-06-04. Review status: criteria provided, single submitter. Criteria: GeneDx Variant Classification Process June 2021. Collection method: clinical testing. Allele origin: germline. Affected: yes.
Comment: Frameshift variant predicted to result in abnormal protein length as the last 126 amino acids are replaced with 68 different amino acids, and other similar variants have been reported in HGMD; Not observed at significant frequency in large population cohorts (gnomAD); Observed in individuals with personal or family history of breast and/or ovarian cancer (PMID: 20077502, 25452441, 28888541, 29790872, 31173646, 31036035, 35626031); This variant is associated with the following publications: (PMID: 31341520, 26681312, 28008555, 26738429, 28152038, 20077502, 25452441, 26556299, 26315354, 17848578, 26546047, 29922827, 29790872, 31036035, 31173646, 33099839, 32679805, 33598691, 35626031, 32923906, 36187937, 28888541, 34326862, 35969835, 17550235, 37688579)

Center for Genomic Medicine, Rigshospitalet, Copenhagen University Hospital
Classification: Pathogenic. Last evaluated: 2025-03-04. Review status: criteria provided, single submitter. Criteria: ACMG Guidelines, 2015. Collection method: clinical testing. Allele origin: germline.

Department of Clinical Genetics, Copenhagen University Hospital, Rigshospitalet
Classification: Likely pathogenic for Hereditary cancer-predisposing syndrome. Last evaluated: 2025-02-04. Review status: criteria provided, single submitter. Criteria: ACMG Guidelines, 2015. Collection method: clinical testing. Allele origin: germline.
Comment: PVS1_Strong; PP1; PS4_SUP

Institute for Genomic Medicine (IGM) Clinical Laboratory, Nationwide Children's Hospital
Classification: Pathogenic for BARD1-related cancer predisposition. Last evaluated: 2025-02-04. Review status: criteria provided, single submitter. Criteria: ACMG Guidelines, 2015. Collection method: clinical testing. Allele origin: germline.
Comment: This variant is predicted to result in loss of function through nonsense-mediated decay of the encoded transcript or premature truncation of the encoded protein in a gene in which loss of function is a known mechanism of disease (ACMG/AMP: PVS1_Strong; PMID:20077502). This variant has been reported at an elevated frequency in affected individuals/in multiple affected individuals in the literature (ACMG/AMP: PS4; PMIDs:20077502, 25452441, 26681312, 28888541, 29790872, 31173646, 31036035, 35626031). This variant is absent from or present at an exceedingly low frequency in gnomAD, a large-scale control population database (ACMG/AMP: PM2).

Color Diagnostics, LLC DBA Color Health
Classification: Pathogenic for Hereditary cancer-predisposing syndrome. Last evaluated: 2025-02-03. Review status: criteria provided, single submitter. Criteria: ACMG Guidelines, 2015. Collection method: clinical testing. Allele origin: germline.
Comment: This variant inserts 20 nucleotides in exon 10 of the BARD1 gene, creating a frameshift and premature translation stop signal. This variant is expected to disrupt the last 126 amino acids of the BARD1 protein, including the functionally important BRCT2 domain (a.a. 667-777) (PMID: 17848578) and is likely to result in a non-functional protein product. This variant has been reported in individuals affected with breast cancer (PMID: 20077502, 25452441, 26681312, 31036035). This variant has also been reported in at least one individual with neuroblastoma (PMID: 33598691). This variant has been identified in 17/282768 chromosomes in the general population by the Genome Aggregation Database (gnomAD). Loss of BARD1 function is a known mechanism of disease. Based on the available evidence, this variant is classified as Pathogenic.

Molecular Pathology, Peter Maccallum Cancer Centre
Classification: Likely pathogenic for BARD1-related cancer predisposition. Last evaluated: 2024-11-26. Review status: criteria provided, single submitter. Criteria: ACMG Guidelines, 2015. Collection method: clinical testing. Allele origin: germline. Inheritance: Autosomal dominant inheritance.

German Consortium for Hereditary Breast and Ovarian Cancer, University Hospital Cologne
Classification: Likely pathogenic for Hereditary breast ovarian cancer syndrome. Last evaluated: 2024-11-12. Review status: criteria provided, single submitter. Criteria: ACMG Guidelines, 2015. Collection method: curation. Allele origin: germline.
Comment: According to the ACMG SVI adaptation criteria we chose these criteria: PVS1 (strong pathogenic): As per PVS1 decision tree von Tayoun (2018): Nonsense or Frameshift --> Not predicted to undergo NMD Truncated/altered region is critical to protein function PVS1_Strong, PS3 (medium pathogenic): ClinVar Invitae/LapCorp 2024: While the functional significance of deleting the second BRCT domain has not been addressed experimentally, studies suggest that both BRCT repeats in BARD1 are necessary for its normal functioning (PMID: 17550235, 26738429, 17848578) --> PS3 ?? Adamovich et al. PMID: 30925164 V767fs LOF in HDR-, Cisplatin- and IR-Assay Toh et al. PMID: 31371347 FS AA 612 impaired Protein function, PM1 (medium pathogenic): PTC, in mutational hotspot

Baylor Genetics
Classification: Pathogenic for Familial cancer of breast. Last evaluated: 2024-02-21. Review status: criteria provided, single submitter. Criteria: ACMG Guidelines, 2015. Collection method: clinical testing. Allele origin: unknown.

Fulgent Genetics
Classification: Pathogenic for Familial cancer of breast. Last evaluated: 2024-02-05. Review status: criteria provided, single submitter. Criteria: ACMG Guidelines, 2015. Collection method: clinical testing. Allele origin: germline.

NM_000465.4(BARD1):c.1935_1954dup (p.Glu652fs)

Gene: BARD1 (BRCA1 associated RING domain 1; minus strand). Cytogenetic location: 2q35.
Variant type: Duplication.
Coding change: c.1935_1954dup on transcript NM_000465.4 (MANE Select); coding-DNA positions 1935 to 1954, 20 bases duplicated (TGAACAGGAAGAAAAGTATG).
Protein change: p.Glu652fs; shifts the reading frame from glutamic acid 652.
Molecular consequence: frameshift variant. On other transcripts: non-coding transcript variant (3).
Genome position (GRCh38, 1-based): chr2:214,730,458-214,730,477, CATACTTTTCTTCCTGTTCA duplicated on the plus strand (TGAACAGGAAGAAAAGTATG on the coding strand, the reverse complement: BARD1 is on the minus strand); duplicating any 20 consecutive bases within chr2:214,730,458-214,730,490 gives the same sequence; the c. name uses the placement nearest the transcript's 3' end. VCF-style (leftmost placement, unchanged base first): chr2-214730457-T-TCATACTTTTCTTCCTGTTCA. GRCh37 (hg19) VCF-style: chr2-215595181-T-TCATACTTTTCTTCCTGTTCA.
Other names: c.1935_1954dupTGAACAGGAAGAAAAGTATG (NM_000465.3); c.1878_1897dup, p.Glu633fs (NM_001282543.2); c.582_601dup, p.Glu201fs (NM_001282545.2); c.525_544dup, p.Glu182fs (NM_001282548.2); c.396_415dup, p.Glu139fs (NM_001282549.2); short protein forms E139fs, E633fs, E182fs, E201fs, E652fs.
Identifiers: ClinVar variation 127725 (VCV000127725.68), dbSNP rs587780024, ClinGen allele CA331818.